The following is an entry in ClinVar:

NC_000017.10:g.(?_48068881)_(48278874_?)del

Genes: SAMD14 (sterile alpha motif domain containing 14; minus strand), COL1A1 (collagen type I alpha 1 chain; minus strand), DLX3 (distal-less homeobox 3; minus strand), ITGA3 (integrin subunit alpha 3; plus strand), PDK2 (pyruvate dehydrogenase kinase 2; plus strand) and 2 more. Cytogenetic location: 17q21.33.
Variant type: Deletion.
Identifiers: ClinVar variation 2422330 (VCV002422330.3).

ClinVar aggregate classification (germline): Uncertain significance. Review status: criteria provided, single submitter (1 of 4 stars). 2 submissions from 1 submitter: Uncertain significance (1). 1 of the submissions does not count toward it. Last evaluated 2022-03-14.

Conditions:
Osteogenesis imperfecta type I (OI1). Also called: Lobstein's Disease; Osteogenesis imperfecta type 1; Lobstein disease; Classic Non-deforming Osteogenesis Imperfecta with Blue Sclerae; OI, TYPE I; OSTEOGENESIS IMPERFECTA TARDA. Identifiers: Orphanet 216796, Orphanet 666, MedGen C0023931, MONDO:0008146, OMIM 166200. Disease mechanism: loss of function.

Submissions (2):

Labcorp Genetics (formerly Invitae), Labcorp
Classification: Uncertain significance. Last evaluated: 2022-03-14. Review status: criteria provided, single submitter. Criteria: Invitae Variant Classification Sherloc (09022015). Collection method: clinical testing. Allele origin: germline.
Comment: A gross deletion of the genomic region encompassing the full coding sequence of the DLX3 gene has been identified. The current clinical and genetic evidence is not sufficient to establish whether loss-of-function variants in DLX3 cause disease. The boundaries of this event are unknown as they extend beyond the assayed region for this gene and therefore may encompass additional genes. Isolated whole-gene deletions of DLX3 have not been reported in the literature. However, larger copy number events that include this gene have been reported (PMID: 23949819). In summary, the available evidence is currently insufficient to determine the role of this variant in disease. Therefore, it has been classified as a Variant of Uncertain Significance.

Labcorp Genetics (formerly Invitae), Labcorp
Classification: Pathogenic for Osteogenesis imperfecta type I. Last evaluated: 2022-06-22. Review status: flagged submission. Criteria: Invitae Variant Classification Sherloc (09022015). Collection method: clinical testing. Allele origin: germline. Not counted in ClinVar's aggregate classification.
Comment: A gross deletion of the genomic region encompassing the full coding sequence of the COL1A1 gene has been identified. Loss-of-function variants in COL1A1 are known to be pathogenic (PMID: 7942841, 9295084, 9443882). The boundaries of this event are unknown as they extend beyond the assayed region for this gene and therefore may encompass additional genes. A similar copy number variant has been observed in individual(s) with osteogenesis imperfecta (PMID: 26478226). It has also been observed to segregate with disease in related individuals. For these reasons, this variant has been classified as Pathogenic.
ClinVar note: Reason: This record appears to be redundant with a more recent record from the same submitter.
ClinVar note: Notes: SCV003790245 appears to be redundant with SCV003794779.

Literature cited by the submitters: PubMed 23949819; PubMed 7942841; PubMed 9295084; PubMed 9443882; PubMed 26478226.